The following is an entry in ClinVar:

NM_007118.4(TRIO):c.4382C>T (p.Pro1461Leu)

Gene: TRIO (trio Rho guanine nucleotide exchange factor; plus strand). Cytogenetic location: 5p15.2.
Variant type: single nucleotide variant.
Coding change: c.4382C>T on transcript NM_007118.4 (MANE Select); coding-DNA position 4382, C replaced by T.
Protein change: p.Pro1461Leu; replaces proline 1461 with leucine.
Molecular consequence: missense variant. On other transcripts: non-coding transcript variant (1).
Genome position (GRCh38, 1-based): chr5:14,397,113, C>T. VCF-style: chr5-14397113-C-T. GRCh37 (hg19) VCF-style: chr5-14397222-C-T.
Other names: short protein forms P1461L.
Identifiers: ClinVar variation 978213 (VCV000978213.2), dbSNP rs1747667518, ClinGen allele CA359233682.

ClinVar aggregate classification (germline): Pathogenic/Likely pathogenic. Review status: criteria provided, multiple submitters, no conflicts (2 of 4 stars). 2 submissions from 2 submitters: Pathogenic (1); Likely pathogenic (1). Last evaluated 2020-09-10.

Conditions:
Intellectual developmental disorder, autosomal dominant 63, with macrocephaly. Also called: MENTAL RETARDATION, AUTOSOMAL DOMINANT 63, WITH MACROCEPHALY. Identifiers: MedGen C5394205, MONDO:0032939, OMIM 618825.
Intellectual disability. Also called: intellectual disabilities; Intellectual developmental disorder; Intellectual functioning disability. Identifiers: MedGen C3714756, MeSH D008607, MONDO:0001071, HP:0001249.

Submissions (2):

Diagnostic Laboratory, Strasbourg University Hospital
Classification: Likely pathogenic for Intellectual disability. Last evaluated: 2020-09-10. Review status: criteria provided, single submitter. Criteria: ACMG Guidelines, 2015. Collection method: clinical testing. Allele origin: unknown. Affected: yes. Observed: 1 heterozygote.

SIB Swiss Institute of Bioinformatics
Classification: Pathogenic for Intellectual developmental disorder, autosomal dominant 63, with macrocephaly. Last evaluated: 2020-09-10. Review status: criteria provided, single submitter. Criteria: ACMG Guidelines, 2015. Collection method: curation. Allele origin: unknown.
Comment: This variant is interpreted as pathogenic for Intellectual developmental disorder, autosomal dominant 63, with macrocephaly. The following ACMG Tag(s) were applied: Absent from controls (or at extremely low frequency if recessive) in Exome Sequencing Project, 1000 Genomes Project, or Exome Aggregation Consortium (PM2); De novo (paternity and maternity confirmed) (PS2); Missense variant in a gene that has a low rate of benign missense variation and in which missense variants are a common mechanism of disease (PP2); Multiple lines of computational evidence support a deleterious effect on the gene or gene product (PP3); Located in a mutational hot spot and/or critical and well-established functional domain (e.g., active site of an enzyme) without benign variation (PM1); Well-established functional studies show a deleterious effect (PS3 downgraded to moderate).

Literature cited by the submitters: PubMed 32109419 (cited by SIB Swiss Institute of Bioinformatics).